The following is an entry in ClinVar:

ClinVar aggregate classification (germline): Benign (1 of 4 stars; one submission).

Conditions:
Weill-Marchesani 4 syndrome, recessive. Also called: Weill-Marchesani syndrome 4. Identifiers: Orphanet 363992, MedGen C2750787, MONDO:0013176, OMIM 613195.

Allele frequency attached by ClinVar (database versions not stated): gnomAD 0.01162 and 0.01261; TOPMed 0.01307; 1000 Genomes Project 0.01438; 1000 Genomes Project 30x 0.01546.

Submission:

Illumina Laboratory Services, Illumina
Classification: Benign for Weill-Marchesani 4 syndrome, recessive. Last evaluated: 2018-01-13. Review status: criteria provided, single submitter. Criteria: ICSL Variant Classification Criteria 13 December 2019. Collection method: clinical testing. Allele origin: germline.
Comment: This variant was observed in the ICSL laboratory as part of a predisposition screen in an ostensibly healthy population. It had not been previously curated by ICSL or reported in the Human Gene Mutation Database (HGMD: prior to June 1st, 2018), and was therefore a candidate for classification through an automated scoring system. Utilizing variant allele frequency, disease prevalence and penetrance estimates, and inheritance mode, an automated score was calculated to assess if this variant is too frequent to cause the disease. Based on the score and internal cut-off values, a variant classified as benign is not then subjected to further curation. The score for this variant resulted in a classification of benign for this disease.

NM_139057.4(ADAMTS17):c.*2012C>T

Gene: ADAMTS17 (ADAM metallopeptidase with thrombospondin type 1 motif 17; minus strand). Cytogenetic location: 15q26.3.
Variant type: single nucleotide variant.
Coding change: c.*2012C>T on transcript NM_139057.4 (MANE Select); 2012 bases downstream of the stop codon, C replaced by T.
Molecular consequence: 3 prime UTR variant.
Genome position (GRCh38, 1-based): chr15:99,972,390, G>A on the plus strand (C>T on the coding strand, the complement: ADAMTS17 is on the minus strand). VCF-style: chr15-99972390-G-A. GRCh37 (hg19) VCF-style: chr15-100512595-G-A.
Identifiers: ClinVar variation 315164 (VCV000315164.5), dbSNP rs190592619, ClinGen allele CA10647628.